The following is an entry in ClinVar:

NM_184085.2(TRIM55):c.1351C>T (p.Arg451Trp)

Gene: TRIM55 (tripartite motif containing 55; plus strand). Cytogenetic location: 8q13.1.
Variant type: single nucleotide variant.
Coding change: c.1351C>T on transcript NM_184085.2 (MANE Select); coding-DNA position 1351, C replaced by T.
Protein change: p.Arg451Trp; replaces arginine 451 with tryptophan.
Molecular consequence: missense variant. On other transcripts: intron variant (2).
Genome position (GRCh38, 1-based): chr8:66,154,161, C>T. VCF-style: chr8-66154161-C-T. GRCh37 (hg19) VCF-style: chr8-67066396-C-T.
Other names: c.1351C>T, p.Arg451Trp (NM_033058.3); c.1236+1534C>T (NM_184086.2); c.603+16971C>T (NM_184087.2); short protein forms R451W.
Identifiers: ClinVar variation 4998275 (VCV004998275.1).
Genomic context (GRCh38, chr8:66,154,161, plus strand): 5'-CCTGCAGCAGCAGAAACTGCGGATCCCTTGTTTTACCCTAGTTGGTATAAAGGCCAAACC[C>T]GGAAAGCCACCACCAACCCACCTTGCACCCCAGGGAGCGAAGGTCTGGGGCAAATAGGGC-3'
Protein context (NP_908973.1, residues 441-461): FYPSWYKGQT[Arg451Trp]KATTNPPCTP

ClinVar aggregate classification (germline): Likely benign (1 of 4 stars; one submission).

Conditions:
TRIM55-related disorder. Also called: TRIM55-related condition.

gnomAD v4.1: 4,701 of 1,614,106 alleles (0.29%); highest among the groups gnomAD compares: Non-Finnish European, 0.35%; 9 homozygotes.

Submission:

PreventionGenetics, part of Exact Sciences
Classification: Likely benign for TRIM55-related condition. Last evaluated: 2026-03-26. Review status: criteria provided, single submitter. Criteria: ACMG Guidelines, 2015. Collection method: clinical testing. Allele origin: germline.
Comment: This variant is classified as likely benign based on ACMG/AMP sequence variant interpretation guidelines (Richards et al. 2015 PMID: 25741868, with internal and published modifications).